The following is an entry in ClinVar:

NM_000455.5(STK11):c.616G>A (p.Ala206Thr)

Gene: STK11 (serine/threonine kinase 11; plus strand). Cytogenetic location: 19p13.3.
Variant type: single nucleotide variant.
Coding change: c.616G>A on transcript NM_000455.5 (MANE Select); coding-DNA position 616, G replaced by A.
Protein change: p.Ala206Thr; replaces alanine 206 with threonine.
Molecular consequence: missense variant.
Genome position (GRCh38, 1-based): chr19:1,220,599, G>A. VCF-style: chr19-1220599-G-A. GRCh37 (hg19) VCF-style: chr19-1220598-G-A.
Other names: short protein forms A206T.
Identifiers: ClinVar variation 480699 (VCV000480699.8), dbSNP rs1555738357, ClinGen allele CA402949453.

ClinVar aggregate classification (germline): Uncertain significance. Review status: criteria provided, multiple submitters, no conflicts (2 of 4 stars). 2 submissions from 2 submitters: Uncertain significance (2). Last evaluated 2022-07-15.

Conditions:
Hereditary cancer-predisposing syndrome. Also called: Hereditary neoplastic syndrome; Neoplastic Syndromes, Hereditary; Tumor predisposition; Hereditary Cancer Syndrome. Identifiers: Orphanet 140162, MedGen C0027672, MeSH D009386, MONDO:0015356.
Peutz-Jeghers syndrome (PJS). Also called: POLYPOSIS, HAMARTOMATOUS INTESTINAL; POLYPS-AND-SPOTS SYNDROME; Peutz-Jeghers polyposis; Periorificial lentiginosis syndrome. Identifiers: Orphanet 2869, MedGen C0031269, MeSH D010580, MONDO:0008280, OMIM 175200.

Submissions (2):

Labcorp Genetics (formerly Invitae), Labcorp
Classification: Uncertain significance for Peutz-Jeghers syndrome. Last evaluated: 2022-07-15. Review status: criteria provided, single submitter. Criteria: Invitae Variant Classification Sherloc (09022015). Collection method: clinical testing. Allele origin: germline.
Comment: This sequence change replaces alanine, which is neutral and non-polar, with threonine, which is neutral and polar, at codon 206 of the STK11 protein (p.Ala206Thr). This variant is not present in population databases (gnomAD no frequency). This variant has not been reported in the literature in individuals affected with STK11-related conditions. ClinVar contains an entry for this variant (Variation ID: 480699). Advanced modeling of protein sequence and biophysical properties (such as structural, functional, and spatial information, amino acid conservation, physicochemical variation, residue mobility, and thermodynamic stability) performed at Invitae indicates that this missense variant is not expected to disrupt STK11 protein function. In summary, the available evidence is currently insufficient to determine the role of this variant in disease. Therefore, it has been classified as a Variant of Uncertain Significance.

Ambry Genetics
Classification: Uncertain significance for Hereditary cancer-predisposing syndrome. Last evaluated: 2016-08-02. Review status: criteria provided, single submitter. Criteria: Ambry Variant Classification Scheme 2023. Collection method: clinical testing. Allele origin: germline.
Comment: The p.A206T variant (also known as c.616G>A), located in coding exon 5 of the STK11 gene, results from a G to A substitution at nucleotide position 616. The alanine at codon 206 is replaced by threonine, an amino acid with similar properties. This variant was not reported in population based cohorts in the following databases: Database of Single Nucleotide Polymorphisms (dbSNP), NHLBI Exome Sequencing Project (ESP), and 1000 Genomes Project. In the ESP, this variant was not observed in 6013 samples (12026 alleles) with coverage at this position. To date, this alteration has been detected with an allele frequency of approximately 0.001% (greater than 125000 alleles tested) in our clinical cohort. This amino acid position is poorly conserved in available vertebrate species. In addition, this alteration is predicted to be tolerated by in silico analysis. Since supporting evidence is limited at this time, the clinical significance of this alteration remains unclear.